The following is an entry in ClinVar:

NM_000051.4(ATM):c.5177+2T>A

Gene: ATM (ATM serine/threonine kinase; plus strand). Cytogenetic location: 11q22.3.
Variant type: single nucleotide variant.
Coding change: c.5177+2T>A on transcript NM_000051.4 (MANE Select); the canonical splice donor site of the intron after coding-DNA position 5177, T replaced by A.
Molecular consequence: splice donor variant.
Genome position (GRCh38, 1-based): chr11:108,299,887, T>A. VCF-style: chr11-108299887-T-A. GRCh37 (hg19) VCF-style: chr11-108170614-T-A.
Other names: c.5177+2T>A (NM_001351834.2).
Identifiers: ClinVar variation 2858731 (VCV002858731.3), dbSNP rs2135893427, ClinGen allele CA382541272.

ClinVar aggregate classification (germline): Likely pathogenic (1 of 4 stars; one submission).

Conditions:
Ataxia-telangiectasia syndrome (AT). Also called: AT, COMPLEMENTATION GROUP C; Ataxia telangiectasia (A-T); ATAXIA-TELANGIECTASIA, COMPLEMENTATION GROUP A; ATAXIA-TELANGIECTASIA, FRESNO VARIANT; Ataxia-telangiectasia, complementation group D; Ataxia-telangiectasia, complementation group E. Identifiers: Orphanet 100, MedGen C0004135, MONDO:0008840, OMIM 208900.

Submission:

Labcorp Genetics (formerly Invitae), Labcorp
Classification: Likely pathogenic for Ataxia-telangiectasia syndrome. Last evaluated: 2024-05-02. Review status: criteria provided, single submitter. Criteria: Invitae Variant Classification Sherloc (09022015). Collection method: clinical testing. Allele origin: germline.
Comment: This sequence change affects a donor splice site in intron 34 of the ATM gene. It is expected to disrupt RNA splicing. Variants that disrupt the donor or acceptor splice site typically lead to a loss of protein function (PMID: 16199547), and loss-of-function variants in ATM are known to be pathogenic (PMID: 23807571, 25614872). This variant is not present in population databases (gnomAD no frequency). Disruption of this splice site has been observed in individual(s) with clinical features of ataxia-telangiectasia (PMID: 26896183). Algorithms developed to predict the effect of sequence changes on RNA splicing suggest that this variant may disrupt the consensus splice site. In summary, the currently available evidence indicates that the variant is pathogenic, but additional data are needed to prove that conclusively. Therefore, this variant has been classified as Likely Pathogenic.

Literature cited by the submitters: PubMed 16199547; PubMed 23807571; PubMed 25614872; PubMed 26896183.